The following is an entry in ClinVar:

ClinVar aggregate classification (germline): Benign/Likely benign. Review status: criteria provided, multiple submitters, no conflicts (2 of 4 stars). 16 submissions from 15 submitters: Benign (7); Likely benign (6). 3 of the submissions do not count toward it. Last evaluated 2026-06-01.

Conditions:
Autosomal dominant cerebellar ataxia. Also called: Spinocerebellar Ataxia, Dominant. Identifiers: Orphanet 99, MedGen C4087347, MONDO:0020380.
Inborn genetic diseases. Identifiers: MedGen C0950123, MeSH D030342.
Charcot-Marie-Tooth disease. Also called: Charcot-Marie-Tooth Neuropathy; Charcot-Marie-Tooth Hereditary Neuropathy. Identifiers: Orphanet 166, MedGen C0007959, MONDO:0015626.
Charcot-Marie-Tooth disease axonal type 2O. Also called: Charcot-Marie-Tooth disease, axonal, type 20; CHARCOT-MARIE-TOOTH NEUROPATHY, AXONAL, TYPE 2O; CHARCOT-MARIE-TOOTH DISEASE, AXONAL, AUTOSOMAL DOMINANT, TYPE 2O; Charcot-Marie-Tooth Neuropathy Type 2O. Identifiers: Orphanet 284232, MedGen C3280220, MONDO:0013644, OMIM 614228.
Cortical dysplasia, complex, with other brain malformations 13. Also called: Intellectual disability, autosomal dominant 13. Identifiers: MedGen C3281202, MONDO:0013805, OMIM 614563.
Autosomal dominant childhood-onset proximal spinal muscular atrophy without contractures. Also called: KUGELBERG-WELANDER SYNDROME, AUTOSOMAL DOMINANT; SPINAL MUSCULAR ATROPHY, JUVENILE, PROXIMAL, AUTOSOMAL DOMINANT; SPINAL MUSCULAR ATROPHY, CHILDHOOD, PROXIMAL, AUTOSOMAL DOMINANT; Spinal muscular atrophy, lower extremity-predominant 1, AD. Identifiers: Orphanet 209341, Orphanet 363447, MedGen C5780022, MONDO:0008026, OMIM 158600.
DYNC1H1-related disorder. Also called: DYNC1H1-related condition; DYNC1H1-related disorders. Identifiers: MedGen CN381529.

Allele frequency attached by ClinVar (database versions not stated): 1000 Genomes Project 0.00080; gnomAD 0.00087 and 0.00092; TOPMed 0.00090; 1000 Genomes Project 30x 0.00094; ESP Exome Variant Server 0.00138.
gnomAD v4.1: 2,411 of 1,614,134 alleles (0.15%); highest among the groups gnomAD compares: Non-Finnish European, 0.18%; 3 homozygotes.

Submissions (16):

CeGaT Center for Human Genetics Tuebingen
Classification: Likely benign. Last evaluated: 2026-06-01. Review status: criteria provided, single submitter. Criteria: CeGaT Center For Human Genetics Tuebingen Variant Classification Criteria Version 2. Collection method: clinical testing. Allele origin: germline. Affected: yes. Observed: 15 variant alleles.
Comment: DYNC1H1: BP4, BP7, BS1

Labcorp Genetics (formerly Invitae), Labcorp
Classification: Benign for Charcot-Marie-Tooth disease axonal type 2O. Last evaluated: 2026-01-26. Review status: criteria provided, single submitter. Criteria: Invitae Variant Classification Sherloc (09022015). Collection method: clinical testing. Allele origin: germline.

Blueprint Genetics
Classification: Likely benign. Last evaluated: 2024-11-27. Review status: criteria provided, single submitter. Criteria: ACMG Guidelines, 2015. Collection method: clinical testing. Allele origin: germline.

ARUP Laboratories, Molecular Genetics and Genomics, ARUP Laboratories
Classification: Benign. Last evaluated: 2023-11-03. Review status: criteria provided, single submitter. Criteria: ARUP Molecular Germline Variant Investigation Process 2024. Collection method: clinical testing. Allele origin: germline.

Mayo Clinic Laboratories, Mayo Clinic
Classification: Benign. Last evaluated: 2021-11-18. Review status: criteria provided, single submitter. Criteria: ACMG Guidelines, 2015. Collection method: clinical testing. Allele origin: germline. Observed: 9 variant alleles.
Comment: BS1, BS2, BP4, BP7

Fulgent Genetics
Classification: Likely benign for Autosomal dominant childhood-onset proximal spinal muscular atrophy without contractures; Charcot-Marie-Tooth disease axonal type 2O; Cortical dysplasia, complex, with other brain malformations 13. Last evaluated: 2021-09-21. Review status: criteria provided, single submitter. Criteria: ACMG Guidelines, 2015. Collection method: clinical testing. Allele origin: unknown.

Athena Diagnostics
Classification: Benign. Last evaluated: 2018-05-02. Review status: criteria provided, single submitter. Criteria: Athena Diagnostics Criteria. Collection method: clinical testing. Allele origin: germline.

Genetic Services Laboratory, University of Chicago
Classification: Benign. Last evaluated: 2018-02-14. Review status: criteria provided, single submitter. Criteria: ACMG Guidelines, 2015. Collection method: clinical testing. Allele origin: germline. Affected: no.

Illumina Laboratory Services, Illumina
Classification: Benign for Spinocerebellar Ataxia, Dominant. Last evaluated: 2018-01-12. Review status: criteria provided, single submitter. Criteria: ICSL Variant Classification Criteria 13 December 2019. Collection method: clinical testing. Allele origin: germline.
Comment: This variant was observed in the ICSL laboratory as part of a predisposition screen in an ostensibly healthy population. It had not been previously curated by ICSL or reported in the Human Gene Mutation Database (HGMD: prior to June 1st, 2018), and was therefore a candidate for classification through an automated scoring system. Utilizing variant allele frequency, disease prevalence and penetrance estimates, and inheritance mode, an automated score was calculated to assess if this variant is too frequent to cause the disease. Based on the score and internal cut-off values, a variant classified as benign is not then subjected to further curation. The score for this variant resulted in a classification of benign for this disease.

Illumina Laboratory Services, Illumina
Classification: Likely benign for Charcot-Marie-Tooth disease axonal type 2O. Last evaluated: 2018-01-12. Review status: criteria provided, single submitter. Criteria: ICSL Variant Classification Criteria 13 December 2019. Collection method: clinical testing. Allele origin: germline.
Comment: This variant was observed in the ICSL laboratory as part of a predisposition screen in an ostensibly healthy population. It had not been previously curated by ICSL or reported in the Human Gene Mutation Database (HGMD: prior to June 1st, 2018), and was therefore a candidate for classification through an automated scoring system. Utilizing variant allele frequency, disease prevalence and penetrance estimates, and inheritance mode, an automated score was calculated to assess if this variant is too frequent to cause the disease. Based on the score and internal cut-off values, a variant classified as likely benign is not then subjected to further curation. The score for this variant resulted in a classification of likely benign for this disease.

Ambry Genetics
Classification: Likely benign for Inborn genetic diseases. Last evaluated: 2016-10-05. Review status: criteria provided, single submitter. Criteria: Ambry Variant Classification Scheme 2023. Collection method: clinical testing. Allele origin: germline.

GeneDx
Classification: Benign. Last evaluated: 2015-03-03. Review status: criteria provided, single submitter. Criteria: GeneDx Variant Classification Process June 2021. Collection method: clinical testing. Allele origin: germline. Affected: yes.

Molecular Genetics Laboratory, London Health Sciences Centre
Classification: Likely benign for Charcot-Marie-Tooth disease. Review status: criteria provided, single submitter. Criteria: ACMG Guidelines, 2015. Collection method: clinical testing. Allele origin: germline. Affected: yes.

PreventionGenetics, part of Exact Sciences
Classification: Likely benign for DYNC1H1-related condition. Last evaluated: 2020-01-30. Review status: no assertion criteria provided. Collection method: clinical testing. Allele origin: germline. Not counted in ClinVar's aggregate classification.
Comment: This variant is classified as likely benign based on ACMG/AMP sequence variant interpretation guidelines (Richards et al. 2015 PMID: 25741868, with internal and published modifications).

Clinical Genetics DNA and cytogenetics Diagnostics Lab, Erasmus MC, Erasmus Medical Center
Classification: Likely benign. Review status: no assertion criteria provided. Collection method: clinical testing. Allele origin: germline. Affected: yes. Study: VKGL Data-share Consensus. Not counted in ClinVar's aggregate classification.

Clinical Genetics, Academic Medical Center
Classification: Likely benign. Review status: no assertion criteria provided. Collection method: clinical testing. Allele origin: germline. Affected: yes. Study: VKGL Data-share Consensus. Not counted in ClinVar's aggregate classification.

NM_001376.5(DYNC1H1):c.10065T>C (p.Ser3355=)

Gene: DYNC1H1 (dynein cytoplasmic 1 heavy chain 1; plus strand). Cytogenetic location: 14q32.31.
Variant type: single nucleotide variant.
Coding change: c.10065T>C on transcript NM_001376.5 (MANE Select); coding-DNA position 10065, T replaced by C.
Protein change: p.Ser3355=; no amino-acid change (serine 3355 retained).
Molecular consequence: synonymous variant.
Genome position (GRCh38, 1-based): chr14:102,032,453, T>C. VCF-style: chr14-102032453-T-C. GRCh37 (hg19) VCF-style: chr14-102498790-T-C.
Other names: p.Ser3355=.
Identifiers: ClinVar variation 238992 (VCV000238992.64), dbSNP rs80096622, ClinGen allele CA7353344.
Genomic context (GRCh38, chr14:102,032,453, plus strand): 5'-GAAGCAGATCCGCTCCATCATCATGCGGGAGAACTTCATCCCCACCATCGTCAACTTCTC[T>C]GCAGAGGAGATCAGGTGAGAAAGTGGAAGTGCCAAGGTATTGCCAGAAATTGAAATCAGT-3'
Protein context (NP_001367.2, residues 3345-3365): ENFIPTIVNF[Ser3355=]AEEISDAIRE